The following is an entry in ClinVar:

NM_000170.3(GLDC):c.2544C>G (p.Tyr848Ter)

Gene: GLDC (glycine decarboxylase; minus strand). Cytogenetic location: 9p24.1.
Variant type: single nucleotide variant.
Coding change: c.2544C>G on transcript NM_000170.3 (MANE Select); coding-DNA position 2544, C replaced by G.
Protein change: p.Tyr848Ter; replaces tyrosine 848 with a stop codon.
Molecular consequence: nonsense.
Genome position (GRCh38, 1-based): chr9:6,550,828, G>C on the plus strand (C>G on the coding strand, the complement: GLDC is on the minus strand). VCF-style: chr9-6550828-G-C. GRCh37 (hg19) VCF-style: chr9-6550828-G-C.
Other names: short protein forms Y848*.
Identifiers: ClinVar variation 437461 (VCV000437461.6), dbSNP rs1554643354, ClinGen allele CA372875885.

ClinVar aggregate classification (germline): Pathogenic. Review status: criteria provided, multiple submitters, no conflicts (2 of 4 stars). 2 submissions from 2 submitters: Pathogenic (2). Last evaluated 2024-05-08.

Conditions:
Glycine encephalopathy 1 (GCE1). Identifiers: MedGen CN376801, MONDO:0958179, OMIM 605899.
Glycine encephalopathy. Also called: Non-ketotic hyperglycinemia; Nonketotic hyperglycinemia. Identifiers: Orphanet 407, MedGen C0751748, MONDO:0011612, HP:0008288.

Submissions (2):

Myriad Genetics, Inc.
Classification: Pathogenic for Glycine encephalopathy 1. Last evaluated: 2024-05-08. Review status: criteria provided, single submitter. Criteria: Myriad Autosomal Dominant, Autosomal Recessive and X-Linked Classification Criteria (2023). Collection method: clinical testing. Allele origin: unknown.
Comment: NM_000170.2(GLDC):c.2544C>G(Y848*) is expected to be pathogenic in the context of glycine encephalopathy, GLDC-related. This variant is predicted to lead to an abnormal or absent protein product due to the creation of a premature termination codon in GLDC, a gene where loss-of-function variants are known to be pathogenic. Please note: this variant was assessed in the context of healthy population screening.

Genomic Research Center, Shahid Beheshti University of Medical Sciences
Classification: Pathogenic for Non-ketotic hyperglycinemia. Last evaluated: 2017-06-18. Review status: criteria provided, single submitter. Criteria: ACMG Guidelines, 2015. Collection method: clinical testing. Allele origin: inherited. Affected: yes. Observed: 1 variant allele.